The following is an entry in ClinVar:

NM_020911.2(PLXNA4):c.3786C>G (p.Arg1262=)

Gene: PLXNA4 (plexin A4; minus strand). Cytogenetic location: 7q32.3.
Variant type: single nucleotide variant.
Coding change: c.3786C>G on transcript NM_020911.2 (MANE Select); coding-DNA position 3786, C replaced by G.
Protein change: p.Arg1262=; no amino-acid change (arginine 1262 retained).
Molecular consequence: synonymous variant.
Genome position (GRCh38, 1-based): chr7:132,179,775, G>C on the plus strand (C>G on the coding strand, the complement: PLXNA4 is on the minus strand). VCF-style: chr7-132179775-G-C. GRCh37 (hg19) VCF-style: chr7-131864534-G-C.
Other names: c.3786C>G, p.Arg1262= (NM_001393897.1).
Identifiers: ClinVar variation 3358085 (VCV003358085.1).
Genomic context (GRCh38, chr7:132,179,775, plus strand): 5'-CTCCAGGTTGTCCATCTGCATCTGCAGCCGCTTCAGCGTGAGGTCACTTTCGCGGGACTT[G>C]CGTTTATAGGCAATGAGCACGGCCACGATGAAAATGATGAGGAGGCCGCCAGCCACTGCG-3'
Protein context (NP_065962.1, residues 1252-1272): FIVAVLIAYK[Arg1262=]KSRESDLTLK

ClinVar aggregate classification (germline): Likely benign (0 of 4 stars; one submission).

Conditions:
PLXNA4-related disorder. Also called: PLXNA4-related condition.

gnomAD v4.1: 1 of 1,614,068 alleles (0.000062%); highest among the groups gnomAD compares: Non-Finnish European, 0.000085%; no homozygotes.

Submission:

PreventionGenetics, part of Exact Sciences
Classification: Likely benign for PLXNA4-related condition. Last evaluated: 2023-10-02. Review status: no assertion criteria provided. Collection method: clinical testing. Allele origin: germline.
Comment: This variant is classified as likely benign based on ACMG/AMP sequence variant interpretation guidelines (Richards et al. 2015 PMID: 25741868, with internal and published modifications).